The following is an entry in ClinVar:

ClinVar aggregate classification (germline): Conflicting classifications of pathogenicity. Review status: criteria provided, conflicting classifications (1 of 4 stars). 4 submissions from 4 submitters: Uncertain significance (2); Likely benign (2). Last evaluated 2026-03-25.

Conditions:
PCDH15-related disorder. Also called: PCDH15-related disorders; PCDH15-related condition.

Submissions (4):

PreventionGenetics, part of Exact Sciences
Classification: Uncertain significance for PCDH15-related condition. Last evaluated: 2026-03-25. Review status: criteria provided, single submitter. Criteria: ACMG Guidelines, 2015. Collection method: clinical testing. Allele origin: germline.
Comment: The PCDH15 c.5269_5280del12 variant is predicted to result in an in-frame deletion (p.Ser1757_Pro1760del). To our knowledge, this variant has not been reported in the literature. This variant is reported in 0.14% of alleles in individuals of African descent in gnomAD, which may be too frequent to be a primary cause of disease. At this time, the clinical significance of this variant is uncertain due to the absence of conclusive functional and genetic evidence.

Labcorp Genetics (formerly Invitae), Labcorp
Classification: Likely benign. Last evaluated: 2026-01-16. Review status: criteria provided, single submitter. Criteria: Invitae Variant Classification Sherloc (09022015). Collection method: clinical testing. Allele origin: germline.

Blueprint Genetics
Classification: Likely benign. Last evaluated: 2023-10-08. Review status: criteria provided, single submitter. Criteria: ACMG Guidelines, 2015. Collection method: clinical testing. Allele origin: germline.

Laboratory for Molecular Medicine, Mass General Brigham Personalized Medicine
Classification: Uncertain significance. Last evaluated: 2011-11-15. Review status: criteria provided, single submitter. Criteria: LMM Criteria. Collection method: clinical testing. Allele origin: germline. Observed: 1 variant allele.
Comment: Variant classified as Uncertain Significance - Favor Benign. The Ser1757_Pro1760 del variant in PCDH15 has not been reported in the literature nor previously ide ntified by our laboratory. This variant is a 4 codon in-frame deletion in a prol ine-rich domain and is located in the last exon of the gene. The region covered by the deletion is not conserved across mammals or distant species; however, thi s information is insufficient to rule out pathogenicity. In summary, the clinica l significance of this variant cannot be determined with certainty at this time.

NM_033056.4(PCDH15):c.5269_5280del (p.Ser1757_Pro1760del)

Gene: PCDH15 (protocadherin related 15; minus strand). Cytogenetic location: 10q21.1.
Variant type: Deletion.
Coding change: c.5269_5280del on transcript NM_033056.4 (MANE Plus Clinical); coding-DNA positions 5269 to 5280, 12 bases deleted (TCTCCTCCTCCT).
Protein change: p.Ser1757_Pro1760del.
Molecular consequence: inframe deletion. On other transcripts: intron variant (8).
Genome position (GRCh38, 1-based): chr10:53,822,446-53,822,457, AGGAGGAGGAGA deleted on the plus strand (TCTCCTCCTCCT on the coding strand, the reverse complement: PCDH15 is on the minus strand); deleting any 12 consecutive bases within chr10:53,822,446-53,822,465 gives the same sequence; the c. name uses the placement nearest the transcript's 3' end. VCF-style (leftmost placement, unchanged base first): chr10-53822445-CAGGAGGAGGAGA-C. GRCh37 (hg19) VCF-style: chr10-55582205-CAGGAGGAGGAGA-C.
Other names: c.5269_5280del12 (NM_033056.3); c.5290_5301del, p.Ser1764_Pro1767del (NM_001142763.2); c.5275_5286del, p.Ser1759_Pro1762del (NM_001142764.2); c.5062_5073del, p.Ser1688_Pro1691del (NM_001142765.2); c.5260_5271del, p.Ser1754_Pro1757del (NM_001142766.2); c.5149_5160del, p.Ser1717_Pro1720del (NM_001142767.2); c.5209_5220del, p.Ser1737_Pro1740del (NM_001142768.2); c.5200_5211del, p.Ser1734_Pro1737del (NM_001142773.2); and 8 more.
Identifiers: ClinVar variation 46489 (VCV000046489.13), dbSNP rs397517463, ClinGen allele CA138451.